The following is an entry in ClinVar:

NM_021815.5(SLC5A7):c.1642C>T (p.Arg548Ter)

Gene: SLC5A7 (solute carrier family 5 member 7; plus strand). Cytogenetic location: 2q12.3.
Variant type: single nucleotide variant.
Coding change: c.1642C>T on transcript NM_021815.5 (MANE Select); coding-DNA position 1642, C replaced by T.
Protein change: p.Arg548Ter; replaces arginine 548 with a stop codon.
Molecular consequence: nonsense.
Genome position (GRCh38, 1-based): chr2:108,010,760, C>T. VCF-style: chr2-108010760-C-T. GRCh37 (hg19) VCF-style: chr2-108627216-C-T.
Other names: c.1642C>T, p.Arg548Ter (NM_001305005.3); c.1327C>T, p.Arg443Ter (NM_001305006.3); c.901C>T, p.Arg301Ter (NM_001305007.3); short protein forms R443*, R548*, R301*.
Identifiers: ClinVar variation 854671 (VCV000854671.15), dbSNP rs199636877, ClinGen allele CA1819208.

ClinVar aggregate classification (germline): Uncertain significance. Review status: criteria provided, multiple submitters, no conflicts (2 of 4 stars). 4 submissions from 4 submitters: Uncertain significance (4). Last evaluated 2025-08-18.

Conditions:
Neuronopathy, distal hereditary motor, type 7A. Also called: Neuronopathy, distal hereditary motor, type viia; NEURONOPATHY, DISTAL HEREDITARY MOTOR, HARDING TYPE VIIA; NEUROPATHY, DISTAL HEREDITARY MOTOR, HARDING TYPE VIIA; Neuronopathy, distal hereditary motor, autosomal dominant 7; HARPER-YOUNG MYOPATHY; HMN VIIA. Identifiers: Orphanet 139589, MedGen C1834703, MONDO:0008024, OMIM 158580.
Congenital myasthenic syndrome 20. Also called: Myasthenic syndrome, congenital, 20, presynaptic. Identifiers: MedGen C4310694, MONDO:0014939, OMIM 617143.
Inborn genetic diseases. Identifiers: MedGen C0950123, MeSH D030342.

Allele frequency attached by ClinVar (database versions not stated): TOPMed 0.00001; gnomAD 0.00001; ExAC 0.00002; ESP Exome Variant Server 0.00008.
gnomAD v4.1: 39 of 1,613,518 alleles (0.0024%); highest among the groups gnomAD compares: South Asian, 0.0055%; no homozygotes.

Submissions (4):

Labcorp Genetics (formerly Invitae), Labcorp
Classification: Uncertain significance for Neuronopathy, distal hereditary motor, type 7A; Congenital myasthenic syndrome 20. Last evaluated: 2025-08-18. Review status: criteria provided, single submitter. Criteria: Invitae Variant Classification Sherloc (09022015). Collection method: clinical testing. Allele origin: germline.
Comment: This sequence change creates a premature translational stop signal (p.Arg548*) in the SLC5A7 gene. While this is not anticipated to result in nonsense mediated decay, it is expected to disrupt the last 33 amino acid(s) of the SLC5A7 protein. This variant is present in population databases (rs199636877, gnomAD 0.01%). This variant has not been reported in the literature in individuals affected with SLC5A7-related conditions. ClinVar contains an entry for this variant (Variation ID: 854671). In summary, the available evidence is currently insufficient to determine the role of this variant in disease. Therefore, it has been classified as a Variant of Uncertain Significance.

Dasa
Classification: Uncertain significance. Last evaluated: 2024-10-14. Review status: criteria provided, single submitter. Criteria: DASA Assertion Criteria. Collection method: clinical testing. Allele origin: germline.
Comment: NM_021815.5(SLC5A7):c.1642C>T (p.Arg548*) is a nonsense variant in SLC5A7 predicted to introduce a premature termination codon and is predicted to result in an absent or altered protein product. Loss of function is an established disease mechanism for SLC5A7-associated disorders. Also, this variant is rare in population databases. The currently available literature and clinical evidence are not sufficient to establish a definitive association between this variant and the reported condition. Therefore, this variant is classified as a variant of uncertain significance.

Ambry Genetics
Classification: Uncertain significance for Inborn genetic diseases. Last evaluated: 2021-07-28. Review status: criteria provided, single submitter. Criteria: Ambry Variant Classification Scheme 2023. Collection method: clinical testing. Allele origin: germline.
Comment: The p.R548* variant (also known as c.1642C>T), located in coding exon 8 of the SLC5A7 gene, results from a C to T substitution at nucleotide position 1642. This changes the amino acid from an arginine to a stop codon within coding exon 8. This alteration is expected to result in premature protein truncation or nonsense-mediated mRNA decay. However, loss of function of SLC5A7 has not been clearly established as a mechanism of disease. Since supporting evidence is limited at this time, the clinical significance of this alteration remains unclear.

Mayo Clinic Laboratories, Mayo Clinic
Classification: Uncertain significance. Last evaluated: 2020-11-19. Review status: criteria provided, single submitter. Criteria: ACMG Guidelines, 2015. Collection method: clinical testing. Allele origin: germline. Observed: 1 variant allele.